The following is an entry in ClinVar:

ClinVar aggregate classification (germline): Uncertain significance. Review status: criteria provided, multiple submitters, no conflicts (2 of 4 stars). 2 submissions from 2 submitters: Uncertain significance (2). Last evaluated 2025-08-22.

Conditions:
Hereditary cancer-predisposing syndrome. Also called: Neoplastic Syndromes, Hereditary; Tumor predisposition; Hereditary Cancer Syndrome; Hereditary neoplastic syndrome. Identifiers: Orphanet 140162, MedGen C0027672, MeSH D009386, MONDO:0015356.

Submissions (2):

Ambry Genetics
Classification: Uncertain significance for Hereditary cancer-predisposing syndrome. Last evaluated: 2025-08-22. Review status: criteria provided, single submitter. Criteria: Ambry Variant Classification Scheme 2023. Collection method: clinical testing. Allele origin: germline.
Comment: The p.A58T variant (also known as c.172G>A), located in coding exon 2 of the CTNNA1 gene, results from a G to A substitution at nucleotide position 172. The alanine at codon 58 is replaced by threonine, an amino acid with similar properties. This amino acid position is conserved. In addition, the in silico prediction for this alteration is inconclusive. Since supporting evidence is limited at this time, the clinical significance of this alteration remains unclear.

Labcorp Genetics (formerly Invitae), Labcorp
Classification: Uncertain significance. Last evaluated: 2024-08-15. Review status: criteria provided, single submitter. Criteria: Invitae Variant Classification Sherloc (09022015). Collection method: clinical testing. Allele origin: germline.
Comment: This sequence change replaces alanine, which is neutral and non-polar, with threonine, which is neutral and polar, at codon 58 of the CTNNA1 protein (p.Ala58Thr). This variant is not present in population databases (gnomAD no frequency). This variant has not been reported in the literature in individuals affected with CTNNA1-related conditions. ClinVar contains an entry for this variant (Variation ID: 1778951). Invitae Evidence Modeling of protein sequence and biophysical properties (such as structural, functional, and spatial information, amino acid conservation, physicochemical variation, residue mobility, and thermodynamic stability) indicates that this missense variant is not expected to disrupt CTNNA1 protein function with a negative predictive value of 80%. In summary, the available evidence is currently insufficient to determine the role of this variant in disease. Therefore, it has been classified as a Variant of Uncertain Significance.

NM_001903.5(CTNNA1):c.172G>A (p.Ala58Thr)

Gene: CTNNA1 (catenin alpha 1; plus strand). Cytogenetic location: 5q31.2.
Variant type: single nucleotide variant.
Coding change: c.172G>A on transcript NM_001903.5 (MANE Select); coding-DNA position 172, G replaced by A.
Protein change: p.Ala58Thr; replaces alanine 58 with threonine.
Molecular consequence: missense variant. On other transcripts: 5 prime UTR variant (1), intron variant (1).
Genome position (GRCh38, 1-based): chr5:138,783,243, G>A. VCF-style: chr5-138783243-G-A. GRCh37 (hg19) VCF-style: chr5-138118932-G-A.
Other names: c.172G>A, p.Ala58Thr (NM_001290307.3, NM_001323982.2, NM_001323983.1 and 3 more transcripts); c.-35G>A (NM_001290310.3); c.-9+1214G>A (NM_001290309.3); short protein forms A58T.
Identifiers: ClinVar variation 1778951 (VCV001778951.8), dbSNP rs1291738773, ClinGen allele CA361477402.